The following is an entry in ClinVar:

NM_007194.4(CHEK2):c.128C>A (p.Thr43Asn)

Gene: CHEK2 (checkpoint kinase 2; minus strand). Cytogenetic location: 22q12.1.
Variant type: single nucleotide variant.
Coding change: c.128C>A on transcript NM_007194.4 (MANE Select); coding-DNA position 128, C replaced by A.
Protein change: p.Thr43Asn; replaces threonine 43 with asparagine.
Molecular consequence: missense variant.
Genome position (GRCh38, 1-based): chr22:28,734,594, G>T on the plus strand (C>A on the coding strand, the complement: CHEK2 is on the minus strand). VCF-style: chr22-28734594-G-T. GRCh37 (hg19) VCF-style: chr22-29130582-G-T.
Other names: c.128C>A, p.Thr43Asn (NM_001005735.3, NM_001349956.3, NM_145862.3); c.-650C>A (NM_001257387.3); c.128C>A (NM_007194.3); short protein forms T43N.
Identifiers: ClinVar variation 1035580 (VCV001035580.12), dbSNP rs2054327963, ClinGen allele CA411091258.

ClinVar aggregate classification (germline): Uncertain significance. Review status: criteria provided, multiple submitters, no conflicts (2 of 4 stars). 2 submissions from 2 submitters: Uncertain significance (2). Last evaluated 2026-06-24.

Conditions:
Familial cancer of breast. Also called: Hereditary breast cancer; hereditary breast carcinoma; BREAST CANCER, FAMILIAL. Identifiers: Orphanet 227535, MedGen C0346153, MONDO:0016419, OMIM 114480. Disease mechanism: loss of function.
Hereditary cancer-predisposing syndrome. Also called: Tumor predisposition; Hereditary Cancer Syndrome; Hereditary neoplastic syndrome; Neoplastic Syndromes, Hereditary. Identifiers: Orphanet 140162, MedGen C0027672, MeSH D009386, MONDO:0015356.

Submissions (2):

Ambry Genetics
Classification: Uncertain significance for Hereditary cancer-predisposing syndrome. Last evaluated: 2026-06-24. Review status: criteria provided, single submitter. Criteria: Ambry Variant Classification Scheme 2023. Collection method: clinical testing. Allele origin: germline.
Comment: The p.T43N variant (also known as c.128C>A), located in coding exon 1 of the CHEK2 gene, results from a C to A substitution at nucleotide position 128. The threonine at codon 43 is replaced by asparagine, an amino acid with similar properties. This amino acid position is conserved. In addition, this alteration is predicted to be tolerated by in silico analysis. Based on the available evidence, the clinical significance of this variant remains unclear.

Labcorp Genetics (formerly Invitae), Labcorp
Classification: Uncertain significance for Familial cancer of breast. Last evaluated: 2022-08-22. Review status: criteria provided, single submitter. Criteria: Invitae Variant Classification Sherloc (09022015). Collection method: clinical testing. Allele origin: germline.
Comment: This sequence change replaces threonine, which is neutral and polar, with asparagine, which is neutral and polar, at codon 43 of the CHEK2 protein (p.Thr43Asn). This variant is not present in population databases (gnomAD no frequency). This variant has not been reported in the literature in individuals affected with CHEK2-related conditions. ClinVar contains an entry for this variant (Variation ID: 1035580). Algorithms developed to predict the effect of missense changes on protein structure and function (SIFT, PolyPhen-2, Align-GVGD) all suggest that this variant is likely to be tolerated. In summary, the available evidence is currently insufficient to determine the role of this variant in disease. Therefore, it has been classified as a Variant of Uncertain Significance.